The following is an entry in ClinVar:

NM_182914.3(SYNE2):c.4362T>C (p.Gly1454=)

Gene: SYNE2 (spectrin repeat containing nuclear envelope protein 2; plus strand). Cytogenetic location: 14q23.2.
Variant type: single nucleotide variant.
Coding change: c.4362T>C on transcript NM_182914.3 (MANE Select); coding-DNA position 4362, T replaced by C.
Protein change: p.Gly1454=; no amino-acid change (glycine 1454 retained).
Molecular consequence: synonymous variant.
Genome position (GRCh38, 1-based): chr14:64,003,295, T>C. VCF-style: chr14-64003295-T-C. GRCh37 (hg19) VCF-style: chr14-64470013-T-C.
Other names: c.4362T>C, p.Gly1454= (NM_015180.6).
Identifiers: ClinVar variation 2644285 (VCV002644285.24), dbSNP rs2551005728, ClinGen allele CA486719095.
Genomic context (GRCh38, chr14:64,003,295, plus strand): 5'-CAAAAATAATGAACTCCTTAAAAATATTCAAGATGTGCAGAGTCAAATCAGTAAAATTGG[T>C]CTTAAGGATCCTACTGTTCCAGCTGTGAAACATCGGTAAGTATTGTCCATCCATTTCCAT-3'
Protein context (NP_878918.2, residues 1444-1464): QDVQSQISKI[Gly1454=]LKDPTVPAVK

ClinVar aggregate classification (germline): Likely benign (1 of 4 stars; one submission).

Submission:

CeGaT Center for Human Genetics Tuebingen
Classification: Likely benign. Last evaluated: 2022-11-01. Review status: criteria provided, single submitter. Criteria: CeGaT Center For Human Genetics Tuebingen Variant Classification Criteria Version 2. Collection method: clinical testing. Allele origin: germline. Affected: yes. Observed: 1 variant allele.
Comment: SYNE2: PM2:Supporting, BP4, BP7